The following is an entry in ClinVar:

NM_004369.4(COL6A3):c.7192G>A (p.Val2398Ile)

Gene: COL6A3 (collagen type VI alpha 3 chain; minus strand). Cytogenetic location: 2q37.3.
Variant type: single nucleotide variant.
Coding change: c.7192G>A on transcript NM_004369.4 (MANE Select); coding-DNA position 7192, G replaced by A.
Protein change: p.Val2398Ile; replaces valine 2398 with isoleucine.
Molecular consequence: missense variant.
Genome position (GRCh38, 1-based): chr2:237,344,826, C>T on the plus strand (G>A on the coding strand, the complement: COL6A3 is on the minus strand). VCF-style: chr2-237344826-C-T. GRCh37 (hg19) VCF-style: chr2-238253469-C-T.
Other names: c.5371G>A, p.Val1791Ile (NM_057166.5); c.6574G>A, p.Val2192Ile (NM_057167.4); short protein forms V2398I, V1791I, V2192I.
Identifiers: ClinVar variation 583407 (VCV000583407.17), dbSNP rs375640580, ClinGen allele CA2187849.
Genomic context (GRCh38, chr2:237,344,826, plus strand): 5'-AAGTGTCTTGGTTGACTCCCTCAGAGGTGTCTAAAGCAAAGGCTAGTTCTGTTGGGAAGA[C>T]GGGGCACTCCAGGGGCCCTGTGGAAAGTAGAGGGTGGAGGGTTAAAGACAAACTGTACTT-3'
Protein context (NP_004360.2, residues 2388-2408): PCCYGPLECP[Val2398Ile]FPTELAFALD

ClinVar aggregate classification (germline): Conflicting classifications of pathogenicity. Review status: criteria provided, conflicting classifications (1 of 4 stars). 4 submissions from 4 submitters: Uncertain significance (2); Benign (1). 1 of the submissions does not count toward it. Last evaluated 2025-12-12.

Conditions:
COL6A3-related disorder. Also called: COL6A3-related disorders; COL6A3-related condition.
Bethlem myopathy 1A. Also called: Bethlem myopathy 1; MYOPATHY, BENIGN CONGENITAL, WITH CONTRACTURES; Bethlem Muscular Dystrophy. Identifiers: Orphanet 610, MedGen CN029274, MONDO:0024530, OMIM 158810.

Allele frequency attached by ClinVar (database versions not stated): gnomAD 0.00003; gnomAD exomes 0.00003 and 0.00004; TOPMed 0.00003; ExAC 0.00005; ESP Exome Variant Server 0.00008.
gnomAD v4.1: 42 of 1,612,502 alleles (0.0026%); highest among the groups gnomAD compares: African/African-American, 0.0053%; no homozygotes.

Submissions (4):

GeneDx
Classification: Uncertain significance. Last evaluated: 2025-12-12. Review status: criteria provided, single submitter. Criteria: GeneDx Variant Classification Process June 2021. Collection method: clinical testing. Allele origin: germline. Affected: yes.
Comment: Previously reported as a variant of uncertain significance in an individual with a clinical diagnosis of LGMD; variants in other genes that may influence the phenotype were also obsevered (PMID: 29970176); In silico analysis suggests that this missense variant does not alter protein structure/function; This variant is associated with the following publications: (PMID: 29970176)

Labcorp Genetics (formerly Invitae), Labcorp
Classification: Benign for Bethlem myopathy 1A. Last evaluated: 2023-10-17. Review status: criteria provided, single submitter. Criteria: Invitae Variant Classification Sherloc (09022015). Collection method: clinical testing. Allele origin: germline.

Revvity Omics, Revvity
Classification: Uncertain significance. Last evaluated: 2019-08-14. Review status: criteria provided, single submitter. Criteria: ACMG Guidelines, 2015. Collection method: clinical testing. Allele origin: germline.

PreventionGenetics, part of Exact Sciences
Classification: Uncertain significance for COL6A3-related condition. Last evaluated: 2024-02-15. Review status: no assertion criteria provided. Collection method: clinical testing. Allele origin: germline. Not counted in ClinVar's aggregate classification.
Comment: The COL6A3 c.7192G>A variant is predicted to result in the amino acid substitution p.Val2398Ile. This variant has been previously reported in the compound heterozygous state in an individual with limb-girdle muscular dystrophy (Table 1, Fichna et al. 2018. PubMed ID: 29970176). This variant is reported in 0.026% of alleles in individuals of African descent in gnomAD. At this time, the clinical significance of this variant is uncertain due to the absence of conclusive functional and genetic evidence.